The following is an entry in ClinVar:

NM_000254.3(MTR):c.2104C>A (p.Pro702Thr)

Gene: MTR (5-methyltetrahydrofolate-homocysteine methyltransferase; plus strand). Cytogenetic location: 1q43.
Variant type: single nucleotide variant.
Coding change: c.2104C>A on transcript NM_000254.3 (MANE Select); coding-DNA position 2104, C replaced by A.
Protein change: p.Pro702Thr; replaces proline 702 with threonine.
Molecular consequence: missense variant. On other transcripts: intron variant (1).
Genome position (GRCh38, 1-based): chr1:236,861,185, C>A. VCF-style: chr1-236861185-C-A. GRCh37 (hg19) VCF-style: chr1-237024485-C-A.
Other names: c.883C>A, p.Pro295Thr (NM_001291940.2); c.2104C>A, p.Pro702Thr (NM_001410942.1); c.2044-1051C>A (NM_001291939.1); short protein forms P702T, P295T.
Identifiers: ClinVar variation 1956393 (VCV001956393.5), dbSNP rs1211740926, ClinGen allele CA345376829.

ClinVar aggregate classification (germline): Uncertain significance (1 of 4 stars; one submission).

Conditions:
Methylcobalamin deficiency type cblG (HMAG). Also called: HOMOCYSTINURIA-MEGALOBLASTIC ANEMIA, cblG COMPLEMENTATION TYPE; HOMOCYSTINURIA-MEGALOBLASTIC ANEMIA, cblG TYPE; Functional methionine synthase deficiency type cblG; HOMOCYSTINURIA-MEGALOBLASTIC ANEMIA DUE TO DEFECT IN COBALAMIN METABOLISM, cblG COMPLEMENTATION TYPE. Identifiers: Orphanet 2170, Orphanet 622, MedGen C1855128, MONDO:0009609, OMIM 250940.

gnomAD v4.1: 2 of 1,588,278 alleles (0.00013%); highest among the groups gnomAD compares: Admixed American, 0.0017%; no homozygotes.

Submission:

Labcorp Genetics (formerly Invitae), Labcorp
Classification: Uncertain significance for Methylcobalamin deficiency type cblG. Last evaluated: 2024-11-11. Review status: criteria provided, single submitter. Criteria: Invitae Variant Classification Sherloc (09022015). Collection method: clinical testing. Allele origin: germline.
Comment: This sequence change replaces proline, which is neutral and non-polar, with threonine, which is neutral and polar, at codon 702 of the MTR protein (p.Pro702Thr). This variant is present in population databases (no rsID available, gnomAD 0.003%). This variant has not been reported in the literature in individuals affected with MTR-related conditions. ClinVar contains an entry for this variant (Variation ID: 1956393). Invitae Evidence Modeling of protein sequence and biophysical properties (such as structural, functional, and spatial information, amino acid conservation, physicochemical variation, residue mobility, and thermodynamic stability) indicates that this missense variant is not expected to disrupt MTR protein function with a negative predictive value of 95%. In summary, the available evidence is currently insufficient to determine the role of this variant in disease. Therefore, it has been classified as a Variant of Uncertain Significance.